The following is an entry in ClinVar:

ClinVar aggregate classification (germline): Uncertain significance (1 of 4 stars; one submission).

Submission:

Labcorp Genetics (formerly Invitae), Labcorp
Classification: Uncertain significance. Last evaluated: 2025-04-20. Review status: criteria provided, single submitter. Criteria: Invitae Variant Classification Sherloc (09022015). Collection method: clinical testing. Allele origin: germline.
Comment: This sequence change replaces threonine, which is neutral and polar, with serine, which is neutral and polar, at codon 189 of the KLF10 protein (p.Thr189Ser). This variant is not present in population databases (gnomAD no frequency). This variant has not been reported in the literature in individuals affected with KLF10-related conditions. An algorithm developed to predict the effect of missense changes on protein structure and function outputs the following: PolyPhen-2: "Benign". The serine amino acid residue is found in multiple mammalian species, which suggests that this missense change does not adversely affect protein function. In summary, the available evidence is currently insufficient to determine the role of this variant in disease. Therefore, it has been classified as a Variant of Uncertain Significance.

NM_005655.4(KLF10):c.565A>T (p.Thr189Ser)

Gene: KLF10 (KLF transcription factor 10; minus strand). Cytogenetic location: 8q22.3.
Variant type: single nucleotide variant.
Coding change: c.565A>T on transcript NM_005655.4 (MANE Select); coding-DNA position 565, A replaced by T.
Protein change: p.Thr189Ser; replaces threonine 189 with serine.
Molecular consequence: missense variant.
Genome position (GRCh38, 1-based): chr8:102,651,767, T>A on the plus strand (A>T on the coding strand, the complement: KLF10 is on the minus strand). VCF-style: chr8-102651767-T-A. GRCh37 (hg19) VCF-style: chr8-103663995-T-A.
Other names: c.532A>T, p.Thr178Ser (NM_001032282.4); short protein forms T189S, T178S.
Identifiers: ClinVar variation 4760900 (VCV004760900.1).